The following is an entry in ClinVar:

ClinVar aggregate classification (germline): Pathogenic (1 of 4 stars; one submission).

Conditions:
Cardiovascular phenotype. Identifiers: MedGen CN230736.

Submission:

Ambry Genetics
Classification: Pathogenic for Cardiovascular phenotype. Last evaluated: 2023-10-24. Review status: criteria provided, single submitter. Criteria: Ambry Variant Classification Scheme 2023. Collection method: clinical testing. Allele origin: germline.
Comment: The c.449delT pathogenic mutation, located in coding exon 1 of the ZNF469 gene, results from a deletion of one nucleotide at nucleotide position 449, causing a translational frameshift with a predicted alternate stop codon (p.V150Gfs*196). This variant is considered to be rare based on population cohorts in the Genome Aggregation Database (gnomAD). This alteration is expected to result in loss of function by premature protein truncation or nonsense-mediated mRNA decay. As such, this alteration is interpreted as a disease-causing mutation.

NM_001367624.2(ZNF469):c.449del (p.Val150fs)

Gene: ZNF469 (zinc finger protein 469; plus strand). Cytogenetic location: 16q24.2.
Variant type: Deletion.
Coding change: c.449del on transcript NM_001367624.2 (MANE Select); coding-DNA position 449, one base deleted (T; older notation c.449delT).
Protein change: p.Val150fs; shifts the reading frame from valine 150.
Molecular consequence: frameshift variant.
Genome position (GRCh38, 1-based): chr16:88,427,919, T deleted. VCF-style (leftmost placement, unchanged base first): chr16-88427918-GT-G. GRCh37 (hg19) VCF-style: chr16-88494326-GT-G.
Other names: NM_001127464.1:c.449delT; short protein forms V150fs.
Identifiers: ClinVar variation 3232812 (VCV003232812.1), dbSNP rs2507571255, ClinGen allele CA2825002456.